The following is an entry in ClinVar:

NM_001453.3(FOXC1):c.1301C>T (p.Pro434Leu)

Gene: FOXC1 (forkhead box C1; plus strand). Cytogenetic location: 6p25.3.
Variant type: single nucleotide variant.
Coding change: c.1301C>T on transcript NM_001453.3 (MANE Select); coding-DNA position 1301, C replaced by T.
Protein change: p.Pro434Leu; replaces proline 434 with leucine.
Molecular consequence: missense variant.
Genome position (GRCh38, 1-based): chr6:1,611,746, C>T. VCF-style: chr6-1611746-C-T. GRCh37 (hg19) VCF-style: chr6-1611981-C-T.
Other names: short protein forms P434L.
Identifiers: ClinVar variation 3712929 (VCV003712929.2).

ClinVar aggregate classification (germline): Uncertain significance (1 of 4 stars; one submission).

Conditions:
Axenfeld-Rieger syndrome type 3 (RIEG3). Also called: AXENFELD-RIEGER ANOMALY WITH CARDIAC DEFECTS AND/OR SENSORINEURAL HEARING LOSS. Identifiers: Orphanet 782, MedGen C2678503, MONDO:0011233, OMIM 602482.

Submission:

Labcorp Genetics (formerly Invitae), Labcorp
Classification: Uncertain significance for Axenfeld-Rieger syndrome type 3. Last evaluated: 2024-05-18. Review status: criteria provided, single submitter. Criteria: Invitae Variant Classification Sherloc (09022015). Collection method: clinical testing. Allele origin: germline.
Comment: This sequence change replaces proline, which is neutral and non-polar, with leucine, which is neutral and non-polar, at codon 434 of the FOXC1 protein (p.Pro434Leu). This variant is present in population databases (no rsID available, gnomAD 0.01%). This variant has not been reported in the literature in individuals affected with FOXC1-related conditions. An algorithm developed to predict the effect of missense changes on protein structure and function (PolyPhen-2) suggests that this variant is likely to be disruptive. In summary, the available evidence is currently insufficient to determine the role of this variant in disease. Therefore, it has been classified as a Variant of Uncertain Significance.